The following is an entry in ClinVar:

NM_001458.5(FLNC):c.1928T>A (p.Ile643Asn)

Gene: FLNC (filamin C; plus strand). Cytogenetic location: 7q32.1.
Variant type: single nucleotide variant.
Coding change: c.1928T>A on transcript NM_001458.5 (MANE Select); coding-DNA position 1928, T replaced by A.
Protein change: p.Ile643Asn; replaces isoleucine 643 with asparagine.
Molecular consequence: missense variant.
Genome position (GRCh38, 1-based): chr7:128,841,284, T>A. VCF-style: chr7-128841284-T-A. GRCh37 (hg19) VCF-style: chr7-128481338-T-A.
Other names: c.1928T>A, p.Ile643Asn (NM_001127487.2); short protein forms I643N.
Identifiers: ClinVar variation 4527349 (VCV004527349.1).

ClinVar aggregate classification (germline): Uncertain significance (1 of 4 stars; one submission).

Submission:

GeneDx
Classification: Uncertain significance. Last evaluated: 2025-04-21. Review status: criteria provided, single submitter. Criteria: GeneDx Variant Classification Process June 2021. Collection method: clinical testing. Allele origin: germline. Affected: yes.
Comment: Not observed at significant frequency in large population cohorts (gnomAD); In silico analysis supports that this missense variant has a deleterious effect on protein structure/function; Has not been previously published as pathogenic or benign to our knowledge